The following is an entry in ClinVar:

ClinVar aggregate classification (germline): Uncertain significance (1 of 4 stars; one submission).

Conditions:
Inborn genetic diseases. Identifiers: MedGen C0950123, MeSH D030342.

Allele frequency attached by ClinVar (database versions not stated): gnomAD 0.00001; TOPMed 0.00001.

Submission:

Ambry Genetics
Classification: Uncertain significance for Inborn genetic diseases. Last evaluated: 2018-10-11. Review status: criteria provided, single submitter. Criteria: Ambry Variant Classification Scheme 2023. Collection method: clinical testing. Allele origin: germline.
Comment: The p.S910L variant (also known as c.2729C>T), located in coding exon 18 of the POGZ gene, results from a C to T substitution at nucleotide position 2729. The serine at codon 910 is replaced by leucine, an amino acid with dissimilar properties. This amino acid position is well conserved in available vertebrate species. In addition, this alteration is predicted to be tolerated by in silico analysis. Since supporting evidence is limited at this time, the clinical significance of this alteration remains unclear.

NM_015100.4(POGZ):c.2729C>T (p.Ser910Leu)

Gene: POGZ (pogo transposable element derived with ZNF domain; minus strand). Cytogenetic location: 1q21.3.
Variant type: single nucleotide variant.
Coding change: c.2729C>T on transcript NM_015100.4 (MANE Select); coding-DNA position 2729, C replaced by T.
Protein change: p.Ser910Leu; replaces serine 910 with leucine.
Molecular consequence: missense variant.
Genome position (GRCh38, 1-based): chr1:151,406,306, G>A on the plus strand (C>T on the coding strand, the complement: POGZ is on the minus strand). VCF-style: chr1-151406306-G-A. GRCh37 (hg19) VCF-style: chr1-151378782-G-A.
Other names: c.2702C>T, p.Ser901Leu (NM_001194937.2); c.2543C>T, p.Ser848Leu (NM_001194938.2); c.2750C>T, p.Ser917Leu (NM_001410860.1); c.2444C>T, p.Ser815Leu (NM_145796.4); c.2570C>T, p.Ser857Leu (NM_207171.2); short protein forms S815L, S901L, S848L, S857L, S910L, S917L.
Identifiers: ClinVar variation 1795261 (VCV001795261.2), dbSNP rs1313319892, ClinGen allele CA341949263.